The following is an entry in ClinVar:

ClinVar aggregate classification (germline): Pathogenic (1 of 4 stars; one submission).

Submission:

Labcorp Genetics (formerly Invitae), Labcorp
Classification: Pathogenic. Last evaluated: 2023-10-29. Review status: criteria provided, single submitter. Criteria: Invitae Variant Classification Sherloc (09022015). Collection method: clinical testing. Allele origin: unknown.
Comment: This variant is a gross deletion of the genomic region encompassing exon(s) 1 of the FOXRED1 gene, which includes the initiator codon. This deletion extends beyond the assayed region for this gene and therefore may encompass additional genes. It is expected to result in an absent or disrupted protein product. Loss-of-function variants in FOXRED1 are known to be pathogenic (PMID: 20818383, 20858599). This variant has not been reported in the literature in individuals affected with FOXRED1-related conditions. For these reasons, this variant has been classified as Pathogenic.

Literature cited by the submitters: PubMed 20818383; PubMed 20858599.

NC_000011.9:g.(?_126139102)_(126139206_?)del

Gene: FOXRED1 (FAD dependent oxidoreductase domain containing 1; plus strand). Cytogenetic location: 11q24.2.
Variant type: Deletion.
Identifiers: ClinVar variation 3244776 (VCV003244776.1).